The following is an entry in ClinVar:

ClinVar aggregate classification (germline): Conflicting classifications of pathogenicity. Review status: criteria provided, conflicting classifications (1 of 4 stars). 3 submissions from 3 submitters: Uncertain significance (2); Likely benign (1). Last evaluated 2022-07-06.

Conditions:
Inborn genetic diseases. Identifiers: MedGen C0950123, MeSH D030342.

Allele frequency attached by ClinVar (database versions not stated): gnomAD 0.00003; TOPMed 0.00005; ExAC 0.00022.
gnomAD v4.1: 94 of 1,520,542 alleles (0.0062%); highest among the groups gnomAD compares: Middle Eastern, 0.44%; no homozygotes.

Submissions (3):

Revvity Omics, Revvity
Classification: Uncertain significance. Last evaluated: 2022-07-06. Review status: criteria provided, single submitter. Criteria: ACMG Guidelines, 2015. Collection method: clinical testing. Allele origin: germline.

Labcorp Genetics (formerly Invitae), Labcorp
Classification: Uncertain significance. Last evaluated: 2022-06-16. Review status: criteria provided, single submitter. Criteria: Invitae Variant Classification Sherloc (09022015). Collection method: clinical testing. Allele origin: germline.
Comment: This variant has not been reported in the literature in individuals affected with KISS1R-related conditions. In summary, the available evidence is currently insufficient to determine the role of this variant in disease. Therefore, it has been classified as a Variant of Uncertain Significance. Algorithms developed to predict the effect of missense changes on protein structure and function output the following: SIFT: "Tolerated"; PolyPhen-2: "Benign"; Align-GVGD: "Class C0". The leucine amino acid residue is found in multiple mammalian species, which suggests that this missense change does not adversely affect protein function. This variant is present in population databases (rs756986700, gnomAD 0.01%). This sequence change replaces proline, which is neutral and non-polar, with leucine, which is neutral and non-polar, at codon 16 of the KISS1R protein (p.Pro16Leu).

Ambry Genetics
Classification: Likely benign for Inborn genetic diseases. Last evaluated: 2021-07-09. Review status: criteria provided, single submitter. Criteria: Ambry Variant Classification Scheme 2023. Collection method: clinical testing. Allele origin: germline.

NM_032551.5(KISS1R):c.47C>T (p.Pro16Leu)

Gene: KISS1R (KISS1 receptor; plus strand). Cytogenetic location: 19p13.3.
Variant type: single nucleotide variant.
Coding change: c.47C>T on transcript NM_032551.5 (MANE Select); coding-DNA position 47, C replaced by T.
Protein change: p.Pro16Leu; replaces proline 16 with leucine.
Molecular consequence: missense variant.
Genome position (GRCh38, 1-based): chr19:917,549, C>T. VCF-style: chr19-917549-C-T. GRCh37 (hg19) VCF-style: chr19-917549-C-T.
Other names: short protein forms P16L.
Identifiers: ClinVar variation 2085659 (VCV002085659.6), dbSNP rs756986700, ClinGen allele CA9028693.
Genomic context (GRCh38, chr19:917,549, plus strand): 5'-AGGTGCGCGCGGCCATGCACACCGTGGCTACGTCCGGACCCAACGCGTCCTGGGGGGCAC[C>T]GGCCAACGCCTCCGGCTGCCCGGGCTGTGGCGCCAACGCCTCGGACGGCCCAGTCCCTTC-3'
Protein context (NP_115940.2, residues 6-26): TSGPNASWGA[Pro16Leu]ANASGCPGCG